The following is an entry in ClinVar:

ClinVar aggregate classification (germline): Uncertain significance (1 of 4 stars; one submission).

Conditions:
Neurodegeneration with brain iron accumulation 5 (NBIA5). Also called: STATIC ENCEPHALOPATHY OF CHILDHOOD WITH NEURODEGENERATION IN ADULTHOOD; Beta-propeller protein-associated neurodegeneration. Identifiers: Orphanet 329284, MedGen C3550973, MONDO:0010476, OMIM 300894.

Submission:

Neuberg Centre For Genomic Medicine, NCGM
Classification: Uncertain significance for Neurodegeneration with brain iron accumulation 5. Last evaluated: 2023-05-20. Review status: criteria provided, single submitter. Criteria: ACMG Guidelines, 2015. Collection method: clinical testing. Allele origin: germline. Inheritance: X-linked dominant inheritance. Affected: yes.
Comment: The observed splice region c.436+3G>A variant in WDR45 gene has not been reported previously as a pathogenic variant nor as a benign variant, to our knowledge. The c.436+3G>A variant is absent in gnomAD Exomes. This variant has not been submitted to the ClinVar database. SpliceAI predicts this variant to cause splice donor loss (0.22). Loss of function variants in WDR45 gene have been previously reported to be disease causing (Cong et al., 2021). However, additional functional studies will be required to prove the pathogenicity of this variant. For these reasons, this variant has been classified as Variant of Uncertain Significance (VUS).

NM_001029896.2(WDR45):c.436+3G>A

Gene: WDR45 (WD repeat domain 45; minus strand). Cytogenetic location: Xp11.23.
Variant type: single nucleotide variant.
Coding change: c.436+3G>A on transcript NM_001029896.2 (MANE Select); 3 bases into the intron after coding-DNA position 436, G replaced by A.
Molecular consequence: intron variant.
Genome position (GRCh38, 1-based): chrX:49,076,427, C>T on the plus strand (G>A on the coding strand, the complement: WDR45 is on the minus strand). VCF-style: chrX-49076427-C-T. GRCh37 (hg19) VCF-style: chrX-48934086-C-T.
Other names: c.439+3G>A (NM_007075.4).
Identifiers: ClinVar variation 3367085 (VCV003367085.1).